The following is an entry in ClinVar:

ClinVar aggregate classification (germline): Uncertain significance. Review status: criteria provided, multiple submitters, no conflicts (2 of 4 stars). 6 submissions from 6 submitters: Uncertain significance (4). 2 of the submissions do not count toward it. Last evaluated 2026-02-20.

Conditions:
OTOG-related disorder. Also called: OTOG-related condition.

Allele frequency attached by ClinVar (database versions not stated): gnomAD exomes 0.00007 and 0.00011; TOPMed 0.00010; gnomAD 0.00012 and 0.00013.

Submissions (6):

PreventionGenetics, part of Exact Sciences
Classification: Uncertain significance for OTOG-related condition. Last evaluated: 2026-02-20. Review status: criteria provided, single submitter. Criteria: ACMG Guidelines, 2015. Collection method: clinical testing. Allele origin: germline.
Comment: The OTOG c.586G>A variant is predicted to result in the amino acid substitution p.Asp196Asn. This variant was reported in an individual with Hearing loss along with second OTOG variant p. Asp2721Asn, that is internally assessed as likely benign (Imizcoz et al. 2023. PubMed ID: 37811145). This variant is reported in 0.031% of alleles in individuals of Latino descent in gnomAD. At this time, the clinical significance of this variant is uncertain due to the absence of conclusive functional and genetic evidence.

Blueprint Genetics
Classification: Uncertain significance. Last evaluated: 2023-12-16. Review status: criteria provided, single submitter. Criteria: ACMG Guidelines, 2015. Collection method: clinical testing. Allele origin: germline.

GeneDx
Classification: Uncertain significance. Last evaluated: 2023-11-20. Review status: criteria provided, single submitter. Criteria: GeneDx Variant Classification Process June 2021. Collection method: clinical testing. Allele origin: germline. Affected: yes.
Comment: Reported in a patient with hearing loss who also harbors an additional missense variant in the OTOG gene (PMID: 37811145); In silico analysis supports that this missense variant does not alter protein structure/function; This variant is associated with the following publications: (PMID: 37811145)

Labcorp Genetics (formerly Invitae), Labcorp
Classification: Uncertain significance. Last evaluated: 2022-09-23. Review status: criteria provided, single submitter. Criteria: Invitae Variant Classification Sherloc (09022015). Collection method: clinical testing. Allele origin: germline.
Comment: This sequence change replaces aspartic acid, which is acidic and polar, with asparagine, which is neutral and polar, at codon 196 of the OTOG protein (p.Asp196Asn). This variant is present in population databases (rs748075389, gnomAD 0.03%). This variant has not been reported in the literature in individuals affected with OTOG-related conditions. ClinVar contains an entry for this variant (Variation ID: 1297667). Algorithms developed to predict the effect of missense changes on protein structure and function (SIFT, PolyPhen-2, Align-GVGD) all suggest that this variant is likely to be tolerated. In summary, the available evidence is currently insufficient to determine the role of this variant in disease. Therefore, it has been classified as a Variant of Uncertain Significance.

Clinical Genetics DNA and cytogenetics Diagnostics Lab, Erasmus MC, Erasmus Medical Center
Classification: Uncertain significance. Review status: no assertion criteria provided. Collection method: clinical testing. Allele origin: germline. Affected: yes. Study: VKGL Data-share Consensus. Not counted in ClinVar's aggregate classification.

Joint Genome Diagnostic Labs from Nijmegen and Maastricht, Radboudumc and MUMC+
Classification: Uncertain significance. Review status: no assertion criteria provided. Collection method: clinical testing. Allele origin: germline. Affected: yes. Study: VKGL Data-share Consensus. Not counted in ClinVar's aggregate classification.

NM_001292063.2(OTOG):c.550G>A (p.Asp184Asn)

Gene: OTOG (otogelin; plus strand). Cytogenetic location: 11p15.1.
Variant type: single nucleotide variant.
Coding change: c.550G>A on transcript NM_001292063.2 (MANE Select); coding-DNA position 550, G replaced by A.
Protein change: p.Asp184Asn; replaces aspartic acid 184 with asparagine.
Molecular consequence: missense variant.
Genome position (GRCh38, 1-based): chr11:17,555,788, G>A. VCF-style: chr11-17555788-G-A. GRCh37 (hg19) VCF-style: chr11-17577335-G-A.
Other names: c.586G>A, p.Asp196Asn (NM_001277269.2); short protein forms D184N, D196N.
Identifiers: ClinVar variation 1297667 (VCV001297667.9), dbSNP rs748075389, ClinGen allele CA218492418.